The following is an entry in ClinVar:

ClinVar aggregate classification (germline): Pathogenic (1 of 4 stars; one submission).

Conditions:
Chédiak-Higashi syndrome (CHS). Also called: Chediak-Higashi Syndrome. Identifiers: Orphanet 167, MedGen C0007965, MONDO:0008963, OMIM 214500.

Submission:

Labcorp Genetics (formerly Invitae), Labcorp
Classification: Pathogenic for Chédiak-Higashi syndrome. Last evaluated: 2024-02-04. Review status: criteria provided, single submitter. Criteria: Invitae Variant Classification Sherloc (09022015). Collection method: clinical testing. Allele origin: germline.
Comment: This sequence change creates a premature translational stop signal (p.Asp157Cysfs*17) in the LYST gene. It is expected to result in an absent or disrupted protein product. Loss-of-function variants in LYST are known to be pathogenic (PMID: 9215679, 11857544). This variant is not present in population databases (gnomAD no frequency). This variant has not been reported in the literature in individuals affected with LYST-related conditions. For these reasons, this variant has been classified as Pathogenic.

Literature cited by the submitters: PubMed 9215679; PubMed 11857544.

NM_000081.4(LYST):c.465_466del (p.Asp157fs)

Gene: LYST (lysosomal trafficking regulator; minus strand). Cytogenetic location: 1q42.3.
Variant type: Deletion.
Coding change: c.465_466del on transcript NM_000081.4 (MANE Select); coding-DNA positions 465 to 466, 2 bases deleted (AA; older notation c.465_466delAA).
Protein change: p.Asp157fs; shifts the reading frame from aspartic acid 157.
Molecular consequence: frameshift variant.
Genome position (GRCh38, 1-based): chr1:235,810,352-235,810,353, TT deleted on the plus strand (AA on the coding strand, the reverse complement: LYST is on the minus strand). VCF-style (leftmost placement, unchanged base first): chr1-235810351-CTT-C. GRCh37 (hg19) VCF-style: chr1-235973651-CTT-C.
Other names: c.465_466del, p.Asp157fs (NM_001301365.1); short protein forms D157fs.
Identifiers: ClinVar variation 3638871 (VCV003638871.2).